The following is an entry in ClinVar:

NM_003640.5(ELP1):c.3855+9T>G

Gene: ELP1 (elongator acetyltransferase complex subunit 1; minus strand). Cytogenetic location: 9q31.3.
Variant type: single nucleotide variant.
Coding change: c.3855+9T>G on transcript NM_003640.5 (MANE Select); 9 bases into the intron after coding-DNA position 3855, T replaced by G.
Molecular consequence: intron variant.
Genome position (GRCh38, 1-based): chr9:108,877,986, A>C on the plus strand (T>G on the coding strand, the complement: ELP1 is on the minus strand). VCF-style: chr9-108877986-A-C. GRCh37 (hg19) VCF-style: chr9-111640266-A-C.
Other names: c.3855+9T>G (LRG_251t1, NM_003640.4); c.3513+9T>G (NM_001318360.2); c.2808+9T>G (NM_001330749.2).
Identifiers: ClinVar variation 455968 (VCV000455968.14), dbSNP rs533673443, ClinGen allele CA5174172.

ClinVar aggregate classification (germline): Benign/Likely benign. Review status: criteria provided, multiple submitters, no conflicts (2 of 4 stars). 3 submissions from 3 submitters: Benign (1); Likely benign (1). 1 of the submissions does not count toward it. Last evaluated 2026-07-09.

Conditions:
ELP1-related disorder. Also called: ELP1-related condition.
Familial dysautonomia. Also called: HSAN III; FD. Identifiers: Orphanet 1764, MedGen C0013364, MONDO:0009131, OMIM 223900. Disease mechanism: loss of function.

Allele frequency attached by ClinVar (database versions not stated): gnomAD below 0.00001 and 0.00008; TOPMed 0.00001; gnomAD exomes 0.00012 and 0.00021; ExAC 0.00027; 1000 Genomes Project 30x 0.00047; 1000 Genomes Project 0.00060.
gnomAD v4.1: 190 of 1,614,222 alleles (0.012%); highest among the groups gnomAD compares: South Asian, 0.2%; 3 homozygotes.

Submissions (3):

PreventionGenetics, part of Exact Sciences
Classification: Likely benign for ELP1-related condition. Last evaluated: 2026-07-09. Review status: criteria provided, single submitter. Criteria: ACMG Guidelines, 2015. Collection method: clinical testing. Allele origin: germline.
Comment: This variant is classified as likely benign based on ACMG/AMP sequence variant interpretation guidelines (Richards et al. 2015 PMID: 25741868, with internal and published modifications).

Labcorp Genetics (formerly Invitae), Labcorp
Classification: Benign. Last evaluated: 2026-02-01. Review status: criteria provided, single submitter. Criteria: Invitae Variant Classification Sherloc (09022015). Collection method: clinical testing. Allele origin: germline.

Natera, Inc.
Classification: Likely benign for Familial dysautonomia. Last evaluated: 2018-05-23. Review status: no assertion criteria provided. Collection method: clinical testing. Allele origin: germline. Not counted in ClinVar's aggregate classification.